The following is an entry in ClinVar:

ClinVar aggregate classification (germline): Uncertain significance (1 of 4 stars; one submission).

Conditions:
Epilepsy, familial adult myoclonic, 5 (EPEO5). Also called: CORTICAL MYOCLONIC TREMOR WITH EPILEPSY, FAMILIAL, 5. Identifiers: Orphanet 86814, MedGen C3809374, MONDO:0014167, OMIM 615400.

Allele frequency attached by ClinVar (database versions not stated): ExAC 0.00001.

Submission:

Labcorp Genetics (formerly Invitae), Labcorp
Classification: Uncertain significance for Epilepsy, familial adult myoclonic, 5. Last evaluated: 2021-09-01. Review status: criteria provided, single submitter. Criteria: Invitae Variant Classification Sherloc (09022015). Collection method: clinical testing. Allele origin: germline.
Comment: This sequence change replaces leucine with valine at codon 503 of the CNTN2 protein (p.Leu503Val). The leucine residue is highly conserved and there is a small physicochemical difference between leucine and valine. This variant is present in population databases (rs766723952, ExAC 0.006%). This variant has not been reported in the literature in individuals affected with CNTN2-related conditions. Algorithms developed to predict the effect of missense changes on protein structure and function are either unavailable or do not agree on the potential impact of this missense change (SIFT: "Deleterious"; PolyPhen-2: "Probably Damaging"; Align-GVGD: "Class C0"). In summary, the available evidence is currently insufficient to determine the role of this variant in disease. Therefore, it has been classified as a Variant of Uncertain Significance.

NM_005076.5(CNTN2):c.1507C>G (p.Leu503Val)

Gene: CNTN2 (contactin 2; plus strand). Cytogenetic location: 1q32.1.
Variant type: single nucleotide variant.
Coding change: c.1507C>G on transcript NM_005076.5 (MANE Select); coding-DNA position 1507, C replaced by G.
Protein change: p.Leu503Val; replaces leucine 503 with valine.
Molecular consequence: missense variant. On other transcripts: non-coding transcript variant (1).
Genome position (GRCh38, 1-based): chr1:205,064,738, C>G. VCF-style: chr1-205064738-C-G. GRCh37 (hg19) VCF-style: chr1-205033866-C-G.
Other names: c.1507C>G, p.Leu503Val (NM_001346083.2); short protein forms L503V.
Identifiers: ClinVar variation 836973 (VCV000836973.6), dbSNP rs766723952, ClinGen allele CA1351391.